The following is an entry in ClinVar:

NM_001843.4(CNTN1):c.1258A>G (p.Met420Val)

Gene: CNTN1 (contactin 1; plus strand). Cytogenetic location: 12q12.
Variant type: single nucleotide variant.
Coding change: c.1258A>G on transcript NM_001843.4 (MANE Select); coding-DNA position 1258, A replaced by G.
Protein change: p.Met420Val; replaces methionine 420 with valine.
Molecular consequence: missense variant.
Genome position (GRCh38, 1-based): chr12:40,939,364, A>G. VCF-style: chr12-40939364-A-G. GRCh37 (hg19) VCF-style: chr12-41333166-A-G.
Other names: c.1258A>G, p.Met420Val (NM_001256063.2, NM_001256064.2); c.1225A>G, p.Met409Val (NM_175038.2); short protein forms M409V, M420V.
Identifiers: ClinVar variation 2075368 (VCV002075368.1), dbSNP rs764430939, ClinGen allele CA6516826.

ClinVar aggregate classification (germline): Uncertain significance (1 of 4 stars; one submission).

Conditions:
Compton-North congenital myopathy (CMYO12). Identifiers: Orphanet 210163, MedGen C2675527, MONDO:0012929, OMIM 612540.

Allele frequency attached by ClinVar (database versions not stated): gnomAD exomes 0.00001; TOPMed 0.00001; ExAC 0.00003; gnomAD 0.00006.
gnomAD v4.1: 27 of 1,613,808 alleles (0.0017%); highest among the groups gnomAD compares: South Asian, 0.0011%; no homozygotes.

Submission:

Labcorp Genetics (formerly Invitae), Labcorp
Classification: Uncertain significance for Compton-North congenital myopathy. Last evaluated: 2022-05-22. Review status: criteria provided, single submitter. Criteria: Invitae Variant Classification Sherloc (09022015). Collection method: clinical testing. Allele origin: germline.
Comment: This sequence change replaces methionine, which is neutral and non-polar, with valine, which is neutral and non-polar, at codon 420 of the CNTN1 protein (p.Met420Val). This variant is present in population databases (rs764430939, gnomAD 0.02%). This variant has not been reported in the literature in individuals affected with CNTN1-related conditions. Advanced modeling of protein sequence and biophysical properties (such as structural, functional, and spatial information, amino acid conservation, physicochemical variation, residue mobility, and thermodynamic stability) performed at Invitae indicates that this missense variant is not expected to disrupt CNTN1 protein function. In summary, the available evidence is currently insufficient to determine the role of this variant in disease. Therefore, it has been classified as a Variant of Uncertain Significance.